The following is an entry in ClinVar:

NM_000051.4(ATM):c.8506A>G (p.Met2836Val)

Genes: ATM (ATM serine/threonine kinase; plus strand), C11orf65 (chromosome 11 open reading frame 65; minus strand). Cytogenetic location: 11q22.3.
Variant type: single nucleotide variant.
Coding change: c.8506A>G on transcript NM_000051.4 (MANE Select); coding-DNA position 8506, A replaced by G.
Protein change: p.Met2836Val; replaces methionine 2836 with valine.
Molecular consequence: missense variant. On other transcripts: intron variant (2).
Genome position (GRCh38, 1-based): chr11:108,345,830, A>G. VCF-style: chr11-108345830-A-G. GRCh37 (hg19) VCF-style: chr11-108216557-A-G.
Other names: c.8506A>G, p.Met2836Val (NM_001351834.2); c.641-36759T>C (NM_001330368.2); c.695-10538T>C (NM_001351110.2); short protein forms M2836V.
Identifiers: ClinVar variation 245835 (VCV000245835.20), dbSNP rs879253968, ClinGen allele CA10584377.

ClinVar aggregate classification (germline): Uncertain significance. Review status: criteria provided, multiple submitters, no conflicts (2 of 4 stars). 4 submissions from 4 submitters: Uncertain significance (4). Last evaluated 2025-08-11.

Conditions:
Hereditary cancer-predisposing syndrome. Also called: Neoplastic Syndromes, Hereditary; Hereditary neoplastic syndrome; Tumor predisposition; Hereditary Cancer Syndrome. Identifiers: Orphanet 140162, MedGen C0027672, MeSH D009386, MONDO:0015356.
Ataxia-telangiectasia syndrome (AT). Also called: Ataxia telangiectasia (A-T); Cerebello-oculocutaneous telangiectasia; Immunodeficiency with ataxia telangiectasia; LOUIS-BAR SYNDROME; AT, COMPLEMENTATION GROUP C; ATAXIA-TELANGIECTASIA, FRESNO VARIANT. Identifiers: Orphanet 100, MedGen C0004135, MONDO:0008840, OMIM 208900.

Allele frequency attached by ClinVar (database versions not stated): gnomAD exomes below 0.00001; TOPMed below 0.00001.
gnomAD v4.1: 2 of 1,613,928 alleles (0.00012%); highest among the groups gnomAD compares: Non-Finnish European, 0.000085%; no homozygotes.

Submissions (4):

Labcorp Genetics (formerly Invitae), Labcorp
Classification: Uncertain significance for Ataxia-telangiectasia syndrome. Last evaluated: 2025-08-11. Review status: criteria provided, single submitter. Criteria: Invitae Variant Classification Sherloc (09022015). Collection method: clinical testing. Allele origin: germline.
Comment: This sequence change replaces methionine, which is neutral and non-polar, with valine, which is neutral and non-polar, at codon 2836 of the ATM protein (p.Met2836Val). This variant is not present in population databases (gnomAD no frequency). This missense change has been observed in individual(s) with ataxia telangiectasia (PMID: 21459046). ClinVar contains an entry for this variant (Variation ID: 245835). Invitae Evidence Modeling of protein sequence and biophysical properties (such as structural, functional, and spatial information, amino acid conservation, physicochemical variation, residue mobility, and thermodynamic stability) indicates that this missense variant is not expected to disrupt ATM protein function with a negative predictive value of 95%. Experimental studies have shown that this missense change affects ATM function (PMID: 21459046). In summary, the available evidence is currently insufficient to determine the role of this variant in disease. Therefore, it has been classified as a Variant of Uncertain Significance.

Ambry Genetics
Classification: Uncertain significance for Hereditary cancer-predisposing syndrome. Last evaluated: 2025-05-21. Review status: criteria provided, single submitter. Criteria: Ambry Variant Classification Scheme 2023. Collection method: clinical testing. Allele origin: germline.
Comment: The p.M2836V variant (also known as c.8506A>G), located in coding exon 57 of the ATM gene, results from an A to G substitution at nucleotide position 8506. The methionine at codon 2836 is replaced by valine, an amino acid with highly similar properties. This alteration has been detected in conjunction with a nonsense ATM mutation in an individual diagnosed with ataxia-telangiectasia; however, the phase of these alterations (whether in cis or in trans) was not confirmed (Exley AR et al. Clin. Immunol., 2011 Jul;140:26-36; Carney EF et al. J. Immunol., 2012 Jul;189:261-8). This amino acid position is well conserved in available vertebrate species. In addition, the in silico prediction for this alteration is inconclusive. Based on the available evidence, the clinical significance of this variant remains unclear.

Color Diagnostics, LLC DBA Color Health
Classification: Uncertain significance for Hereditary cancer-predisposing syndrome. Last evaluated: 2024-02-05. Review status: criteria provided, single submitter. Criteria: ACMG Guidelines, 2015. Collection method: clinical testing. Allele origin: germline.
Comment: This missense variant replaces methionine with valine at codon 2836 of the ATM protein. Computational prediction is inconclusive regarding the impact of this variant on protein structure and function. This variant has been reported in at least one individual affected with ataxia-telangiectasia who also carried a pathogenic ATM variant in unknown phase (PMID: 21459046, 22649200). Lymphoblastoid cells derived from this individual showed reduced protein expression and no kinase activity (PMID: 21459046, 22649200). This variant has not been identified in the general population by the Genome Aggregation Database (gnomAD). The available evidence is insufficient to determine the role of this variant in disease conclusively. Therefore, this variant is classified as a Variant of Uncertain Significance.

GeneDx
Classification: Uncertain significance. Last evaluated: 2016-02-09. Review status: criteria provided, single submitter. Criteria: GeneDx Variant Classification (06012015). Collection method: clinical testing. Allele origin: germline. Affected: yes.
Comment: This variant is denoted ATM c.8506A>G at the cDNA level, p.Met2836Val (M2836V) at the protein level, and results in the change of a Methionine to a Valine (ATG>GTG). This variant was observed in at least one individual with Ataxia Telangiectasia (A-T) who also carried a nonsense variant in ATM, though phase was not determined (Exley 2011, Carney 2012). Although ATM Met2836Val has been reported by one group to result in reduced ATM protein expression and no ATM kinase activity, it has not, to our knowledge, been published in additional A-T patients nor has it been published in regards to cancer risk in heterozygous carriers (Exley 2011, Carney 2012). ATM Met2836Val was not observed in approximately 6,500 individuals of European and African American ancestry in the NHLBI Exome Sequencing Project, suggesting it is not a common benign variant in these populations. Since Methionine and Valine share similar properties, this is considered a conservative amino acid substitution. ATM Met2836Val occurs at a position that is conserved across species and is located in the within PI3K/PI4K kinase domain (Tavtigian 2009). In silico analyses predict that this variant is probably damaging to protein structure and function. Based on currently available evidence, it is unclear whether ATM Met2836Val is a pathogenic or benign variant. We consider it to be a variant of uncertain significance.

Literature cited by the submitters: PubMed 21459046 (cited by 3 submitters); PubMed 22649200 (cited by Ambry Genetics and Color Diagnostics, LLC DBA Color Health).